The following is an entry in ClinVar:

ClinVar aggregate classification (germline): Conflicting classifications of pathogenicity. Review status: criteria provided, conflicting classifications (1 of 4 stars). 4 submissions from 4 submitters: Uncertain significance (2); Likely benign (2). Last evaluated 2025-12-22.

Conditions:
Cerebral amyloid angiopathy, APP-related. Also called: AMYLOIDOSIS, CEREBROARTERIAL, APP-RELATED; Cerebral amyloid angiopathy, Dutch, Italian, Iowa, Flemish, Arctic variants. Identifiers: Orphanet 100006, Orphanet 324703, Orphanet 324708, Orphanet 324713, Orphanet 324718, Orphanet 324723, Orphanet 85458, MedGen C2751536, MONDO:0011583, OMIM 605714.
Alzheimer disease. Also called: Presenile and senile dementia; Alzheimer's disease. Identifiers: Orphanet 1020, MedGen C0002395, MeSH D000544, MONDO:0004975, HP:0002511.

Allele frequency attached by ClinVar (database versions not stated): gnomAD 0.00006 and 0.00009; gnomAD exomes 0.00008 and 0.00014; TOPMed 0.00009; ExAC 0.00011; ESP Exome Variant Server 0.00015.
gnomAD v4.1: 131 of 1,613,998 alleles (0.0081%); highest among the groups gnomAD compares: Middle Eastern, 0.066%; no homozygotes.

Submissions (4):

Labcorp Genetics (formerly Invitae), Labcorp
Classification: Likely benign for Alzheimer disease. Last evaluated: 2025-12-22. Review status: criteria provided, single submitter. Criteria: Invitae Variant Classification Sherloc (09022015). Collection method: clinical testing. Allele origin: germline.

CeGaT Center for Human Genetics Tuebingen
Classification: Uncertain significance. Last evaluated: 2024-10-01. Review status: criteria provided, single submitter. Criteria: CeGaT Center For Human Genetics Tuebingen Variant Classification Criteria Version 2. Collection method: clinical testing. Allele origin: germline. Affected: yes. Observed: 1 variant allele.

Illumina Laboratory Services, Illumina
Classification: Likely benign for Alzheimer disease type 1. Last evaluated: 2017-04-27. Review status: criteria provided, single submitter. Criteria: ICSL Variant Classification Criteria 13 December 2019. Collection method: clinical testing. Allele origin: germline.
Comment: This variant was observed as part of a predisposition screen in an ostensibly healthy population. A literature search was performed for the gene, cDNA change, and amino acid change (where applicable). No publications were found based on this search. Allele frequency data from public databases allowed determination this variant is unlikely to cause disease. Therefore, this variant is classified as likely benign.

Centre for Mendelian Genomics, University Medical Centre Ljubljana
Classification: Uncertain significance for Cerebral amyloid angiopathy, APP-related. Last evaluated: 2016-01-01. Review status: criteria provided, single submitter. Criteria: ACMG Guidelines, 2015. Collection method: clinical testing. Allele origin: unknown. Affected: yes.
Comment: This variant was classified as: Uncertain significance.

NM_000484.4(APP):c.704C>T (p.Ala235Val)

Gene: APP (amyloid beta precursor protein; minus strand). Cytogenetic location: 21q21.3.
Variant type: single nucleotide variant.
Coding change: c.704C>T on transcript NM_000484.4 (MANE Select); coding-DNA position 704, C replaced by T.
Protein change: p.Ala235Val; replaces alanine 235 with valine.
Molecular consequence: missense variant.
Genome position (GRCh38, 1-based): chr21:26,022,001, G>A on the plus strand (C>T on the coding strand, the complement: APP is on the minus strand). VCF-style: chr21-26022001-G-A. GRCh37 (hg19) VCF-style: chr21-27394317-G-A.
Other names: c.689C>T, p.Ala230Val (NM_001136016.3); c.536C>T, p.Ala179Val (NM_001136129.3, NM_001136130.3); c.599C>T, p.Ala200Val (NM_001136131.3); c.704C>T, p.Ala235Val (NM_001204301.2, NM_001204302.2, NM_001204303.2 and 3 more transcripts); short protein forms A200V, A235V, A179V, A230V.
Identifiers: ClinVar variation 898004 (VCV000898004.24), dbSNP rs139819006, ClinGen allele CA9987585.
Genomic context (GRCh38, chr21:26,022,001, plus strand): 5'-TCTACCTCATCACCATCCTCATCGTCCTCGTCATCATCGGCTTCTTCTTCTTCCACCTCA[G>A]CCACTTCTTCCTCCTCTGCTACTTCTACTACTTTGTCTTCACTGTGAAGGCAAACACAAA-3'
Protein context (NP_000475.1, residues 225-245): VVEVAEEEEV[Ala235Val]EVEEEEADDD